The following is an entry in ClinVar:

ClinVar aggregate classification (germline): Uncertain significance (1 of 4 stars; one submission).

Allele frequency attached by ClinVar (database versions not stated): gnomAD 0.00001; gnomAD exomes 0.00001; TOPMed 0.00001.
gnomAD v4.1: 18 of 1,614,012 alleles (0.0011%); highest among the groups gnomAD compares: Non-Finnish European, 0.0015%; no homozygotes.

Submission:

Labcorp Genetics (formerly Invitae), Labcorp
Classification: Uncertain significance. Last evaluated: 2025-03-31. Review status: criteria provided, single submitter. Criteria: Invitae Variant Classification Sherloc (09022015). Collection method: clinical testing. Allele origin: germline.
Comment: This sequence change replaces glutamine, which is neutral and polar, with histidine, which is basic and polar, at codon 883 of the IGF1R protein (p.Gln883His). This variant is present in population databases (no rsID available, gnomAD 0.0009%). This variant has not been reported in the literature in individuals affected with IGF1R-related conditions. ClinVar contains an entry for this variant (Variation ID: 2870432). Invitae Evidence Modeling of protein sequence and biophysical properties (such as structural, functional, and spatial information, amino acid conservation, physicochemical variation, residue mobility, and thermodynamic stability) indicates that this missense variant is not expected to disrupt IGF1R protein function with a negative predictive value of 80%. In summary, the available evidence is currently insufficient to determine the role of this variant in disease. Therefore, it has been classified as a Variant of Uncertain Significance.

NM_000875.5(IGF1R):c.2649G>T (p.Gln883His)

Gene: IGF1R (insulin like growth factor 1 receptor; plus strand). Cytogenetic location: 15q26.3.
Variant type: single nucleotide variant.
Coding change: c.2649G>T on transcript NM_000875.5 (MANE Select); coding-DNA position 2649, G replaced by T.
Protein change: p.Gln883His; replaces glutamine 883 with histidine.
Molecular consequence: missense variant.
Genome position (GRCh38, 1-based): chr15:98,924,551, G>T. VCF-style: chr15-98924551-G-T. GRCh37 (hg19) VCF-style: chr15-99467780-G-T.
Other names: c.2649G>T, p.Gln883His (NM_001291858.2); short protein forms Q883H.
Identifiers: ClinVar variation 2870432 (VCV002870432.3), dbSNP rs1353427010, ClinGen allele CA393682135.